The following is an entry in ClinVar:

NM_139027.6(ADAMTS13):c.2724C>T (p.Cys908=)

Gene: ADAMTS13 (ADAM metallopeptidase with thrombospondin type 1 motif 13; plus strand). Cytogenetic location: 9q34.2.
Variant type: single nucleotide variant.
Coding change: c.2724C>T on transcript NM_139027.6 (MANE Select); coding-DNA position 2724, C replaced by T.
Protein change: p.Cys908=; no amino-acid change (cysteine 908 retained).
Molecular consequence: synonymous variant. On other transcripts: non-coding transcript variant (1).
Genome position (GRCh38, 1-based): chr9:133,445,812, C>T. VCF-style: chr9-133445812-C-T. GRCh37 (hg19) VCF-style: chr9-136310933-C-T.
Other names: c.2724C>T, p.Cys908= (NM_139025.5); c.2631C>T, p.Cys877= (NM_139026.6).
Identifiers: ClinVar variation 2722725 (VCV002722725.5), dbSNP rs145728650, ClinGen allele CA200936864.

ClinVar aggregate classification (germline): Likely benign. Review status: criteria provided, single submitter (1 of 4 stars). 2 submissions from 2 submitters: Likely benign (1). 1 of the submissions does not count toward it. Last evaluated 2023-09-23.

Conditions:
ADAMTS13-related disorder. Also called: ADAMTS13-related condition.

Allele frequency attached by ClinVar (database versions not stated): gnomAD exomes 0.00005; TOPMed 0.00005; ESP Exome Variant Server 0.00008; gnomAD 0.00009; ExAC 0.00011; 1000 Genomes Project 30x 0.00016; 1000 Genomes Project 0.00020.

Submissions (2):

Labcorp Genetics (formerly Invitae), Labcorp
Classification: Likely benign. Last evaluated: 2023-09-23. Review status: criteria provided, single submitter. Criteria: Invitae Variant Classification Sherloc (09022015). Collection method: clinical testing. Allele origin: germline.

PreventionGenetics, part of Exact Sciences
Classification: Likely benign for ADAMTS13-related condition. Last evaluated: 2019-06-25. Review status: no assertion criteria provided. Collection method: clinical testing. Allele origin: germline. Not counted in ClinVar's aggregate classification.
Comment: This variant is classified as likely benign based on ACMG/AMP sequence variant interpretation guidelines (Richards et al. 2015 PMID: 25741868, with internal and published modifications).